The following is an entry in ClinVar:

ClinVar aggregate classification (germline): Conflicting classifications of pathogenicity. Review status: criteria provided, conflicting classifications (1 of 4 stars). 5 submissions from 4 submitters: Uncertain significance (2); Likely benign (3). Last evaluated 2025-12-10.

Conditions:
Congenital stationary night blindness autosomal dominant 1. Also called: NIGHT BLINDNESS, CONGENITAL STATIONARY, RHODOPSIN-RELATED. Identifiers: Orphanet 215, MedGen C1864869, MONDO:0012498, OMIM 610445.
Retinitis pigmentosa 4 (RP4). Also called: RETINITIS PIGMENTOSA, RHODOPSIN-RELATED. Identifiers: Orphanet 791, MedGen C3151001, MONDO:0013395, OMIM 613731.
RHO-related disorder. Also called: RHO-related condition.
Retinitis pigmentosa (RP). Identifiers: Orphanet 791, MedGen C0035334, MeSH D012174, MONDO:0019200, OMIM 268000. Inheritance: Autosomal dominant, autosomal recessive and X linked inheritance.

Allele frequency attached by ClinVar (database versions not stated): ExAC 0.00004; gnomAD exomes 0.00006; gnomAD 0.00007 and 0.00008; TOPMed 0.00011; ESP Exome Variant Server 0.00015.

Submissions (5):

Labcorp Genetics (formerly Invitae), Labcorp
Classification: Likely benign. Last evaluated: 2025-12-10. Review status: criteria provided, single submitter. Criteria: Invitae Variant Classification Sherloc (09022015). Collection method: clinical testing. Allele origin: germline.

PreventionGenetics, part of Exact Sciences
Classification: Likely benign for RHO-related condition. Last evaluated: 2025-02-04. Review status: criteria provided, single submitter. Criteria: ACMG Guidelines, 2015. Collection method: clinical testing. Allele origin: germline.
Comment: This variant is classified as likely benign based on ACMG/AMP sequence variant interpretation guidelines (Richards et al. 2015 PMID: 25741868, with internal and published modifications).

Blueprint Genetics
Classification: Likely benign. Last evaluated: 2024-06-14. Review status: criteria provided, single submitter. Criteria: ACMG Guidelines, 2015. Collection method: clinical testing. Allele origin: germline.

Illumina Laboratory Services, Illumina
Classification: Uncertain significance for Retinitis pigmentosa. Last evaluated: 2017-04-27. Review status: criteria provided, single submitter. Criteria: ICSL Variant Classification Criteria 13 December 2019. Collection method: clinical testing. Allele origin: germline.

Illumina Laboratory Services, Illumina
Classification: Uncertain significance for Congenital stationary night blindness autosomal dominant 1. Last evaluated: 2017-04-27. Review status: criteria provided, single submitter. Criteria: ICSL Variant Classification Criteria 13 December 2019. Collection method: clinical testing. Allele origin: germline.

NM_000539.3(RHO):c.399C>A (p.Ile133=)

Gene: RHO (rhodopsin; plus strand). Cytogenetic location: 3q22.1.
Variant type: single nucleotide variant.
Coding change: c.399C>A on transcript NM_000539.3 (MANE Select); coding-DNA position 399, C replaced by A.
Protein change: p.Ile133=; no amino-acid change (isoleucine 133 retained).
Molecular consequence: synonymous variant.
Genome position (GRCh38, 1-based): chr3:129,530,913, C>A. VCF-style: chr3-129530913-C-A. GRCh37 (hg19) VCF-style: chr3-129249756-C-A.
Identifiers: ClinVar variation 902117 (VCV000902117.15), dbSNP rs372812523, ClinGen allele CA2607150.